The following is an entry in ClinVar:

ClinVar aggregate classification (germline): Uncertain significance (1 of 4 stars; one submission).

gnomAD v4.1: 1 of 1,595,006 alleles (0.000063%); highest among the groups gnomAD compares: Non-Finnish European, 0.000085%; no homozygotes.

Submission:

Labcorp Genetics (formerly Invitae), Labcorp
Classification: Uncertain significance. Last evaluated: 2021-04-06. Review status: criteria provided, single submitter. Criteria: Invitae Variant Classification Sherloc (09022015). Collection method: clinical testing. Allele origin: germline.
Comment: Algorithms developed to predict the effect of missense changes on protein structure and function (SIFT, PolyPhen-2, Align-GVGD) all suggest that this variant is likely to be tolerated, but these predictions have not been confirmed by published functional studies and their clinical significance is uncertain. In summary, the available evidence is currently insufficient to determine the role of this variant in disease. Therefore, it has been classified as a Variant of Uncertain Significance. This variant has not been reported in the literature in individuals with FLVCR1-related conditions. This variant is not present in population databases (ExAC no frequency). This sequence change replaces glycine with serine at codon 85 of the FLVCR1 protein (p.Gly85Ser). The glycine residue is moderately conserved and there is a small physicochemical difference between glycine and serine.

NM_014053.4(FLVCR1):c.253G>A (p.Gly85Ser)

Genes: FLVCR1 (FLVCR choline and heme transporter 1; plus strand), LOC129932486 (ATAC-STARR-seq lymphoblastoid silent region 1807; plus strand). Cytogenetic location: 1q32.3.
Variant type: single nucleotide variant.
Coding change: c.253G>A on transcript NM_014053.4 (MANE Select); coding-DNA position 253, G replaced by A.
Protein change: p.Gly85Ser; replaces glycine 85 with serine.
Molecular consequence: missense variant.
Genome position (GRCh38, 1-based): chr1:212,858,705, G>A. VCF-style: chr1-212858705-G-A. GRCh37 (hg19) VCF-style: chr1-213032047-G-A.
Other names: short protein forms G85S.
Identifiers: ClinVar variation 1345851 (VCV001345851.8), dbSNP rs2102526428, ClinGen allele CA344795674.